The following is an entry in ClinVar:

NM_181882.3(PRX):c.2305C>T (p.Pro769Ser)

Gene: PRX (periaxin; minus strand). Cytogenetic location: 19q13.2.
Variant type: single nucleotide variant.
Coding change: c.2305C>T on transcript NM_181882.3 (MANE Select); coding-DNA position 2305, C replaced by T.
Protein change: p.Pro769Ser; replaces proline 769 with serine.
Molecular consequence: missense variant. On other transcripts: 3 prime UTR variant (1).
Genome position (GRCh38, 1-based): chr19:40,396,047, G>A on the plus strand (C>T on the coding strand, the complement: PRX is on the minus strand). VCF-style: chr19-40396047-G-A. GRCh37 (hg19) VCF-style: chr19-40901954-G-A.
Other names: c.2590C>T, p.Pro864Ser (NM_001411127.1); c.*2510C>T (NM_020956.2); short protein forms P769S, P864S.
Identifiers: ClinVar variation 2129039 (VCV002129039.4), dbSNP rs2514803701, ClinGen allele CA405896572.

ClinVar aggregate classification (germline): Uncertain significance (1 of 4 stars; one submission).

Conditions:
Charcot-Marie-Tooth disease type 4. Also called: Charcot-Marie-Tooth, Type 4; Charcot-Marie-Tooth disease, type IV. Identifiers: Orphanet 64749, MedGen C4082197, MONDO:0018995.

Submission:

Labcorp Genetics (formerly Invitae), Labcorp
Classification: Uncertain significance for Charcot-Marie-Tooth disease type 4. Last evaluated: 2022-04-21. Review status: criteria provided, single submitter. Criteria: Invitae Variant Classification Sherloc (09022015). Collection method: clinical testing. Allele origin: germline.
Comment: Algorithms developed to predict the effect of missense changes on protein structure and function (SIFT, PolyPhen-2, Align-GVGD) all suggest that this variant is likely to be disruptive. In summary, the available evidence is currently insufficient to determine the role of this variant in disease. Therefore, it has been classified as a Variant of Uncertain Significance. This variant has not been reported in the literature in individuals affected with PRX-related conditions. This variant is not present in population databases (gnomAD no frequency). This sequence change replaces proline, which is neutral and non-polar, with serine, which is neutral and polar, at codon 769 of the PRX protein (p.Pro769Ser).